The following is an entry in ClinVar:

NM_000125.4(ESR1):c.1186A>G (p.Met396Val)

Gene: ESR1 (estrogen receptor 1; plus strand). Cytogenetic location: 6q25.1.
Variant type: single nucleotide variant.
Coding change: c.1186A>G on transcript NM_000125.4 (MANE Select); coding-DNA position 1186, A replaced by G.
Protein change: p.Met396Val; replaces methionine 396 with valine.
Molecular consequence: missense variant.
Genome position (GRCh38, 1-based): chr6:152,011,745, A>G. VCF-style: chr6-152011745-A-G. GRCh37 (hg19) VCF-style: chr6-152332880-A-G.
Other names: c.1186A>G, p.Met396Val (NM_001122740.2, NM_001122741.2, NM_001122742.2 and 5 more transcripts); c.1192A>G, p.Met398Val (NM_001291230.2); c.1183A>G, p.Met395Val (NM_001291241.2); c.667A>G, p.Met223Val (NM_001328100.2); short protein forms M395V, M396V, M398V, M223V.
Identifiers: ClinVar variation 4984009 (VCV004984009.1).

ClinVar aggregate classification (germline): Uncertain significance (1 of 4 stars; one submission).

Conditions:
ESR1-related disorder. Also called: ESR1-related condition.

gnomAD v4.1: 16 of 1,613,224 alleles (0.00099%); highest among the groups gnomAD compares: Middle Eastern, 0.017%; no homozygotes.

Submission:

PreventionGenetics, part of Exact Sciences
Classification: Uncertain significance for ESR1-related condition. Last evaluated: 2025-04-24. Review status: criteria provided, single submitter. Criteria: ACMG Guidelines, 2015. Collection method: clinical testing. Allele origin: germline.
Comment: The ESR1 c.1186A>G variant is predicted to result in the amino acid substitution p.Met396Val. To our knowledge, this variant has not been reported in the literature. This variant is reported in 0.0087% of alleles in individuals of Latino descent in gnomAD. At this time, the clinical significance of this variant is uncertain due to the absence of conclusive functional and genetic evidence.